The following is an entry in ClinVar:

ClinVar aggregate classification (germline): Likely pathogenic (1 of 4 stars; one submission).

Conditions:
Familial hypobetalipoproteinemia 1. Also called: APOB-Related Familial Hypobetalipoproteinemia; Hypobetalipoproteinemia, normotriglyceridemic; Acanthocytosis with hypobetalipoproteinemia. Identifiers: MedGen C4551990, MONDO:0014252, OMIM 615558.

gnomAD v4.1: 1 of 1,566,800 alleles (0.000064%); highest among the groups gnomAD compares: Non-Finnish European, 0.000088%; no homozygotes.

Submission:

Women's Health and Genetics/Laboratory Corporation of America, LabCorp
Classification: Likely pathogenic for Familial hypobetalipoproteinemia 1. Last evaluated: 2025-04-28. Review status: criteria provided, single submitter. Criteria: LabCorp Variant Classification Summary - May 2015. Collection method: clinical testing. Allele origin: germline.
Comment: Variant summary: APOB c.904+2T>A is located in a canonical splice-site and is predicted to affect mRNA splicing resulting in a significantly altered protein due to either exon skipping, shortening, or inclusion of intronic material. Variants that disrupt the consensus splice site are a relatively common cause of aberrant splicing and loss of APOB function. Several computational tools predict a significant impact on normal splicing: Four predict the variant abolishes a canonical 5' splicing donor site. However, these predictions have yet to be confirmed by functional studies. The variant was absent in 251488 control chromosomes. To our knowledge, no occurrence of c.904+2T>A in individuals affected with Familial Hypobetalipoproteinemia 1 Dominant and no experimental evidence demonstrating its impact on protein function have been reported. No submitters have cited clinical-significance assessments for this variant to ClinVar. Based on the evidence outlined above, the variant was classified as likely pathogenic for Familial Hypobetalipoproteinemia 1 Dominant .

NM_000384.3(APOB):c.904+2T>A

Gene: APOB (apolipoprotein B; minus strand). Cytogenetic location: 2p24.1.
Variant type: single nucleotide variant.
Coding change: c.904+2T>A on transcript NM_000384.3 (MANE Select); the canonical splice donor site of the intron after coding-DNA position 904, T replaced by A.
Molecular consequence: splice donor variant.
Genome position (GRCh38, 1-based): chr2:21,034,814, A>T on the plus strand (T>A on the coding strand, the complement: APOB is on the minus strand). VCF-style: chr2-21034814-A-T. GRCh37 (hg19) VCF-style: chr2-21257686-A-T.
Identifiers: ClinVar variation 3896614 (VCV003896614.2).